The following is an entry in ClinVar:

ClinVar aggregate classification (germline): Benign/Likely benign. Review status: criteria provided, multiple submitters, no conflicts (2 of 4 stars). 3 submissions from 3 submitters: Benign (1); Likely benign (2). Last evaluated 2024-07-29.

Conditions:
Hereditary cancer-predisposing syndrome. Also called: Hereditary Cancer Syndrome; Neoplastic Syndromes, Hereditary; Tumor predisposition; Hereditary neoplastic syndrome. Identifiers: Orphanet 140162, MedGen C0027672, MeSH D009386, MONDO:0015356.
Familial cancer of breast. Also called: BREAST CANCER, FAMILIAL; Hereditary breast cancer; hereditary breast carcinoma. Identifiers: Orphanet 227535, MedGen C0346153, MONDO:0016419, OMIM 114480. Disease mechanism: loss of function.

gnomAD v4.1: 2 of 1,613,644 alleles (0.00012%); highest among the groups gnomAD compares: African/African-American, 0.0027%; no homozygotes.

Submissions (3):

Myriad Genetics, Inc.
Classification: Benign for Familial cancer of breast. Last evaluated: 2024-07-29. Review status: criteria provided, single submitter. Criteria: Myriad Autosomal Dominant, Autosomal Recessive and X-Linked Classification Criteria (2023). Collection method: clinical testing. Allele origin: unknown.
Comment: This variant is considered benign. This variant is a silent/synonymous amino acid change and it is not expected to impact splicing.

Labcorp Genetics (formerly Invitae), Labcorp
Classification: Likely benign for Familial cancer of breast. Last evaluated: 2024-07-17. Review status: criteria provided, single submitter. Criteria: Invitae Variant Classification Sherloc (09022015). Collection method: clinical testing. Allele origin: germline.

Ambry Genetics
Classification: Likely benign for Hereditary cancer-predisposing syndrome. Last evaluated: 2016-12-19. Review status: criteria provided, single submitter. Criteria: Ambry Variant Classification Scheme 2023. Collection method: clinical testing. Allele origin: germline.

NM_000465.4(BARD1):c.1914A>C (p.Ala638=)

Gene: BARD1 (BRCA1 associated RING domain 1; minus strand). Cytogenetic location: 2q35.
Variant type: single nucleotide variant.
Coding change: c.1914A>C on transcript NM_000465.4 (MANE Select); coding-DNA position 1914, A replaced by C.
Protein change: p.Ala638=; no amino-acid change (alanine 638 retained).
Molecular consequence: synonymous variant. On other transcripts: non-coding transcript variant (3).
Genome position (GRCh38, 1-based): chr2:214,730,498, T>G on the plus strand (A>C on the coding strand, the complement: BARD1 is on the minus strand). VCF-style: chr2-214730498-T-G. GRCh37 (hg19) VCF-style: chr2-215595222-T-G.
Other names: c.1857A>C, p.Ala619= (NM_001282543.2); c.561A>C, p.Ala187= (NM_001282545.2); c.504A>C, p.Ala168= (NM_001282548.2); c.375A>C, p.Ala125= (NM_001282549.2).
Identifiers: ClinVar variation 481404 (VCV000481404.15), dbSNP rs876658489, ClinGen allele CA431139706.